The following is an entry in ClinVar:

NM_005465.7(AKT3):c.1180G>A (p.Asp394Asn)

Gene: AKT3 (AKT serine/threonine kinase 3; minus strand). Cytogenetic location: 1q44.
Variant type: single nucleotide variant.
Coding change: c.1180G>A on transcript NM_005465.7 (MANE Select); coding-DNA position 1180, G replaced by A.
Protein change: p.Asp394Asn; replaces aspartic acid 394 with asparagine.
Molecular consequence: missense variant.
Genome position (GRCh38, 1-based): chr1:243,545,581, C>T on the plus strand (G>A on the coding strand, the complement: AKT3 is on the minus strand). VCF-style: chr1-243545581-C-T. GRCh37 (hg19) VCF-style: chr1-243708883-C-T.
Other names: c.1180G>A, p.Asp394Asn (NM_001206729.2, NM_001370074.1, NM_181690.2); short protein forms D394N.
Identifiers: ClinVar variation 2663357 (VCV002663357.1), dbSNP rs942187513, ClinGen allele CA41022937.

ClinVar aggregate classification (germline): Uncertain significance (1 of 4 stars; one submission).

Allele frequency attached by ClinVar (database versions not stated): TOPMed below 0.00001; gnomAD exomes 0.00002.
gnomAD v4.1: 33 of 1,612,176 alleles (0.002%); highest among the groups gnomAD compares: Non-Finnish European, 0.0028%; no homozygotes.

Submission:

GeneDx
Classification: Uncertain significance. Last evaluated: 2023-04-26. Review status: criteria provided, single submitter. Criteria: GeneDx Variant Classification Process June 2021. Collection method: clinical testing. Allele origin: germline. Affected: yes.
Comment: Not observed at significant frequency in large population cohorts (gnomAD); In silico analysis supports that this missense variant does not alter protein structure/function; Has not been previously published as pathogenic or benign to our knowledge